The following is an entry in ClinVar:

ClinVar aggregate classification (germline): Uncertain significance. Review status: reviewed by expert panel (3 of 4 stars). 13 submissions from 13 submitters: Uncertain significance (1). 12 of the submissions do not count toward it. Last evaluated 2024-04-23.

Conditions:
Very long chain acyl-CoA dehydrogenase deficiency (ACADVLD). Also called: VLCAD Deficiency; Very Long-Chain Acyl-Coenzyme A Dehydrogenase Deficiency. Identifiers: Orphanet 26793, MedGen C3887523, MONDO:0008723, OMIM 201475.

Allele frequency attached by ClinVar (database versions not stated): gnomAD exomes 0.00138; ExAC 0.00165; gnomAD 0.00378 and 0.00391; TOPMed 0.00426; ESP Exome Variant Server 0.00431; 1000 Genomes Project 30x 0.00734; 1000 Genomes Project 0.00739.
gnomAD v4.1: 1,808 of 1,614,094 alleles (0.11%); highest among the groups gnomAD compares: African/African-American, 1.3%; 13 homozygotes.

Submissions (13):

ClinGen ACADVL Variant Curation Expert Panel, ClinGen
Classification: Uncertain significance for Very long chain acyl-CoA dehydrogenase deficiency. Last evaluated: 2024-04-23. Review status: reviewed by expert panel. Criteria: clingen acadvl acmg specifications v1. Collection method: curation. Allele origin: germline. Inheritance: Autosomal recessive inheritance.
Comment: The c.308A>G variant in ACADVL is a missense variant predicted to cause substitution of lysine by arginine at amino acid 103 (p.Lys103Arg). This variant has been reported in one individual with elevated C14:1 levels, an acylcarnitine profile consistent with very long chain acyl-CoA dehydrogenase (VLCAD) deficiency, and a positive fatty acid oxidation probe assay, which are highly specific for VLCAD deficiency (PP4; PMID: 27209629). The highest population minor allele frequency in gnomAD v2.1.1 is 1.2% in the African population, which is higher than the ClinGen ACADVL threshold (0.7%) for BA1, and therefore meets this criterion (BA1). The computational predictor REVEL gives a score of 0.35, which is below the threshold of 0.5 indicating that the variant does not predict a damaging effect on ACADVL function (BP4). Due to conflicting evidence, this variant is classified as a variant of uncertain significance for VLCAD deficiency, as specified by the ClinGen ACADVL Variant Curation Expert Panel: PP4, BA1, BP4 (ACADVL VCEP specifications version 1; approved November 9, 2021). This variant was originally curated September 23, 2022 and the recurated classification was approved by the expert panel on April 23, 2024.

CeGaT Center for Human Genetics Tuebingen
Classification: Likely benign. Last evaluated: 2026-03-01. Review status: criteria provided, single submitter. Criteria: CeGaT Center For Human Genetics Tuebingen Variant Classification Criteria Version 2. Collection method: clinical testing. Allele origin: germline. Affected: yes. Observed: 3 variant alleles. Not counted in ClinVar's aggregate classification.
Comment: ACADVL: BS1

Labcorp Genetics (formerly Invitae), Labcorp
Classification: Benign for Very long chain acyl-CoA dehydrogenase deficiency. Last evaluated: 2026-02-04. Review status: criteria provided, single submitter. Criteria: Invitae Variant Classification Sherloc (09022015). Collection method: clinical testing. Allele origin: germline. Not counted in ClinVar's aggregate classification.

Women's Health and Genetics/Laboratory Corporation of America, LabCorp
Classification: Likely benign. Last evaluated: 2025-12-16. Review status: criteria provided, single submitter. Criteria: LabCorp Variant Classification Summary - May 2015. Collection method: clinical testing. Allele origin: germline. Not counted in ClinVar's aggregate classification.
Comment: Variant summary: ACADVL c.308A>G (p.Lys103Arg) results in a conservative amino acid change located in the Acyl-CoA dehydrogenase/oxidase, N-terminal domain (IPR013786) of the encoded protein sequence. Algorithms developed to predict the effect of missense changes on protein structure and function are either unavailable or do not agree on the potential impact of this missense change. The variant allele was found at a frequency of 0.0014 in 251434 control chromosomes, predominantly at a frequency of 0.012 within the African or African-American subpopulation in the gnomAD database. The observed variant frequency within African or African-American control individuals in the gnomAD database exceeds the estimated maximal expected allele frequency for disease-causing variants in ACADVL. c.308A>G has been reported as a VUS in settings of newborn/presumptive screening for Very Long Chain Acyl-CoA Dehydrogenase Deficiency (Miller_2015). These report(s) do not provide unequivocal conclusions about association of the variant with Very Long Chain Acyl-CoA Dehydrogenase Deficiency. To our knowledge, no experimental evidence demonstrating an impact on protein function has been reported. The following publication have been ascertained in the context of this evaluation (PMID: 26385305). ClinVar contains an entry for this variant (Variation ID: 254700). Based on the evidence outlined above, the variant was classified as likely benign.

Genomic Medicine Center of Excellence, King Faisal Specialist Hospital and Research Centre
Classification: Likely benign. Last evaluated: 2025-08-18. Review status: criteria provided, single submitter. Criteria: ACMG Guidelines, 2015. Collection method: clinical testing. Allele origin: germline. Not counted in ClinVar's aggregate classification.

Mayo Clinic Laboratories, Mayo Clinic
Classification: Likely benign. Last evaluated: 2025-04-14. Review status: criteria provided, single submitter. Criteria: ACMG Guidelines, 2015. Collection method: clinical testing. Allele origin: germline. Observed: 9 variant alleles. Not counted in ClinVar's aggregate classification.

ARUP Laboratories, Molecular Genetics and Genomics, ARUP Laboratories
Classification: Benign for Very long chain acyl-CoA dehydrogenase deficiency. Last evaluated: 2024-12-23. Review status: criteria provided, single submitter. Criteria: ARUP Molecular Germline Variant Investigation Process 2024. Collection method: clinical testing. Allele origin: germline. Not counted in ClinVar's aggregate classification.

Blueprint Genetics
Classification: Likely benign. Last evaluated: 2024-11-11. Review status: criteria provided, single submitter. Criteria: ACMG Guidelines, 2015. Collection method: clinical testing. Allele origin: germline. Not counted in ClinVar's aggregate classification.

Wong Mito Lab, Molecular and Human Genetics, Baylor College of Medicine
Classification: Benign for Very long chain acyl-CoA dehydrogenase deficiency. Last evaluated: 2019-11-01. Review status: criteria provided, single submitter. Criteria: ACMG Guidelines, 2015. Collection method: clinical testing. Allele origin: germline. Not counted in ClinVar's aggregate classification.
Comment: The NM_000018.3:c.308A>G (NP_000009.1:p.Lys103Arg) [GRCH38: NC_000017.11:g.7220796A>G] variant in ACADVL gene is interpretated to be Benign based on ACMG guidelines (PMID: 25741868). This variant has been reported. This variant meets the following evidence codes reported in the ACMG guidelines: BS1, BS2

Illumina Laboratory Services, Illumina
Classification: Likely benign for Very long chain acyl-CoA dehydrogenase deficiency. Last evaluated: 2018-01-12. Review status: criteria provided, single submitter. Criteria: ICSL Variant Classification Criteria 13 December 2019. Collection method: clinical testing. Allele origin: germline. Not counted in ClinVar's aggregate classification.
Comment: This variant was observed in the ICSL laboratory as part of a predisposition screen in an ostensibly healthy population. It had not been previously curated by ICSL or reported in the Human Gene Mutation Database (HGMD: prior to June 1st, 2018), and was therefore a candidate for classification through an automated scoring system. Utilizing variant allele frequency, disease prevalence and penetrance estimates, and inheritance mode, an automated score was calculated to assess if this variant is too frequent to cause the disease. Based on the score and internal cut-off values, a variant classified as likely benign is not then subjected to further curation. The score for this variant resulted in a classification of likely benign for this disease.

GeneDx
Classification: Benign. Last evaluated: 2015-03-03. Review status: criteria provided, single submitter. Criteria: GeneDx Variant Classification Process June 2021. Collection method: clinical testing. Allele origin: germline. Affected: yes. Not counted in ClinVar's aggregate classification.

PreventionGenetics, part of Exact Sciences
Classification: Benign. Review status: criteria provided, single submitter. Criteria: ACMG Guidelines, 2015. Collection method: clinical testing. Allele origin: germline. Not counted in ClinVar's aggregate classification.

Natera, Inc.
Classification: Benign for Very long chain acyl-CoA dehydrogenase deficiency. Last evaluated: 2020-09-16. Review status: no assertion criteria provided. Collection method: clinical testing. Allele origin: germline. Not counted in ClinVar's aggregate classification.

Literature cited by the submitters: PubMed 26385305 (cited by Women's Health and Genetics/Laboratory Corporation of America, LabCorp and Mayo Clinic Laboratories, Mayo Clinic); PubMed 27209629 (cited by Mayo Clinic Laboratories, Mayo Clinic); PubMed 37549443 (cited by Mayo Clinic Laboratories, Mayo Clinic).

NM_000018.4(ACADVL):c.308A>G (p.Lys103Arg)

Gene: ACADVL (acyl-CoA dehydrogenase very long chain; plus strand). Cytogenetic location: 17p13.1.
Variant type: single nucleotide variant.
Coding change: c.308A>G on transcript NM_000018.4 (MANE Select); coding-DNA position 308, A replaced by G.
Protein change: p.Lys103Arg; replaces lysine 103 with arginine.
Molecular consequence: missense variant.
Genome position (GRCh38, 1-based): chr17:7,220,796, A>G. VCF-style: chr17-7220796-A-G. GRCh37 (hg19) VCF-style: chr17-7124115-A-G.
Other names: NM_000018.4(ACADVL):c.308A>G; c.242A>G, p.Lys81Arg (NM_001033859.3); c.377A>G, p.Lys126Arg (NM_001270447.2); c.80A>G, p.Lys27Arg (NM_001270448.2); short protein forms K103R, K126R, K27R, K81R.
Identifiers: ClinVar variation 254700 (VCV000254700.66), dbSNP rs140566084, ClinGen allele CA8337646.